The following is an entry in ClinVar:

NM_182914.3(SYNE2):c.14630G>A (p.Arg4877Lys)

Gene: SYNE2 (spectrin repeat containing nuclear envelope protein 2; plus strand). Cytogenetic location: 14q23.2.
Variant type: single nucleotide variant.
Coding change: c.14630G>A on transcript NM_182914.3 (MANE Select); coding-DNA position 14630, G replaced by A.
Protein change: p.Arg4877Lys; replaces arginine 4877 with lysine.
Molecular consequence: missense variant.
Genome position (GRCh38, 1-based): chr14:64,134,184, G>A. VCF-style: chr14-64134184-G-A. GRCh37 (hg19) VCF-style: chr14-64600902-G-A.
Other names: c.14630G>A, p.Arg4877Lys (NM_015180.6); short protein forms R4877K.
Identifiers: ClinVar variation 4733353 (VCV004733353.1).

ClinVar aggregate classification (germline): Uncertain significance (1 of 4 stars; one submission).

Conditions:
Emery-Dreifuss muscular dystrophy 5, autosomal dominant (EDMD5). Also called: EMERY-DREIFUSS MUSCULAR DYSTROPHY 5. Identifiers: Orphanet 261, MedGen C2751805, MONDO:0013072, OMIM 612999.

Submission:

Labcorp Genetics (formerly Invitae), Labcorp
Classification: Uncertain significance for Emery-Dreifuss muscular dystrophy 5, autosomal dominant. Last evaluated: 2025-12-21. Review status: criteria provided, single submitter. Criteria: Invitae Variant Classification Sherloc (09022015). Collection method: clinical testing. Allele origin: germline.
Comment: This sequence change replaces arginine, which is basic and polar, with lysine, which is basic and polar, at codon 4877 of the SYNE2 protein (p.Arg4877Lys). This variant is not present in population databases (gnomAD no frequency). This variant has not been reported in the literature in individuals affected with SYNE2-related conditions. An algorithm developed to predict the effect of missense changes on protein structure and function (PolyPhen-2) suggests that this variant is likely to be disruptive. In summary, the available evidence is currently insufficient to determine the role of this variant in disease. Therefore, it has been classified as a Variant of Uncertain Significance.